The following is an entry in ClinVar:

NM_001195263.2(PDZD7):c.2188A>G (p.Ile730Val)

Gene: PDZD7 (PDZ domain containing 7; minus strand). Cytogenetic location: 10q24.31.
Variant type: single nucleotide variant.
Coding change: c.2188A>G on transcript NM_001195263.2 (MANE Select); coding-DNA position 2188, A replaced by G.
Protein change: p.Ile730Val; replaces isoleucine 730 with valine.
Molecular consequence: missense variant.
Genome position (GRCh38, 1-based): chr10:101,010,701, T>C on the plus strand (A>G on the coding strand, the complement: PDZD7 is on the minus strand). VCF-style: chr10-101010701-T-C. GRCh37 (hg19) VCF-style: chr10-102770458-T-C.
Other names: short protein forms I730V.
Identifiers: ClinVar variation 1478912 (VCV001478912.6), dbSNP rs2133999808, ClinGen allele CA378224984.

ClinVar aggregate classification (germline): Uncertain significance (1 of 4 stars; one submission).

Allele frequency attached by ClinVar (database versions not stated): gnomAD exomes below 0.00001.
gnomAD v4.1: 4 of 1,228,900 alleles (0.00033%); highest among the groups gnomAD compares: East Asian, 0.011%; no homozygotes.

Submission:

Labcorp Genetics (formerly Invitae), Labcorp
Classification: Uncertain significance. Last evaluated: 2021-08-31. Review status: criteria provided, single submitter. Criteria: Invitae Variant Classification Sherloc (09022015). Collection method: clinical testing. Allele origin: germline.
Comment: In summary, the available evidence is currently insufficient to determine the role of this variant in disease. Therefore, it has been classified as a Variant of Uncertain Significance. Algorithms developed to predict the effect of missense changes on protein structure and function output the following: SIFT: "Deleterious"; PolyPhen-2: "Not Available"; Align-GVGD: "Class C0". The valine amino acid residue is found in multiple mammalian species, which suggests that this missense change does not adversely affect protein function. This variant has not been reported in the literature in individuals affected with PDZD7-related conditions. The frequency data for this variant in the population databases is considered unreliable, as metrics indicate insufficient coverage at this position in the ExAC database. This sequence change replaces isoleucine with valine at codon 730 of the PDZD7 protein (p.Ile730Val). The isoleucine residue is weakly conserved and there is a small physicochemical difference between isoleucine and valine.